The following is an entry in ClinVar:

ClinVar aggregate classification (germline): Likely benign (1 of 4 stars; one submission).

Conditions:
PRKACG-related disorder. Also called: PRKACG-related condition.

gnomAD v4.1: 36 of 1,614,046 alleles (0.0022%); highest among the groups gnomAD compares: Admixed American, 0.042%; no homozygotes.

Submission:

PreventionGenetics, part of Exact Sciences
Classification: Likely benign for PRKACG-related condition. Last evaluated: 2026-09-24. Review status: criteria provided, single submitter. Criteria: ACMG Guidelines, 2015. Collection method: clinical testing. Allele origin: germline.
Comment: This variant is classified as likely benign based on ACMG/AMP sequence variant interpretation guidelines (Richards et al. 2015 PMID: 25741868, with internal and published modifications).

NM_002732.4(PRKACG):c.555C>T (p.Asp185=)

Gene: PRKACG (protein kinase cAMP-activated catalytic subunit gamma; minus strand). Cytogenetic location: 9q21.11.
Variant type: single nucleotide variant.
Coding change: c.555C>T on transcript NM_002732.4 (MANE Select); coding-DNA position 555, C replaced by T.
Protein change: p.Asp185=; no amino-acid change (aspartic acid 185 retained).
Molecular consequence: synonymous variant.
Genome position (GRCh38, 1-based): chr9:69,013,538, G>A on the plus strand (C>T on the coding strand, the complement: PRKACG is on the minus strand). VCF-style: chr9-69013538-G-A. GRCh37 (hg19) VCF-style: chr9-71628454-G-A.
Identifiers: ClinVar variation 4978447 (VCV004978447.1).